The following is an entry in ClinVar:

NM_000452.3(SLC10A2):c.655G>T (p.Ala219Ser)

Gene: SLC10A2 (solute carrier family 10 member 2; minus strand). Cytogenetic location: 13q33.1.
Variant type: single nucleotide variant.
Coding change: c.655G>T on transcript NM_000452.3 (MANE Select); coding-DNA position 655, G replaced by T.
Protein change: p.Ala219Ser; replaces alanine 219 with serine.
Molecular consequence: missense variant.
Genome position (GRCh38, 1-based): chr13:103,051,363, C>A on the plus strand (G>T on the coding strand, the complement: SLC10A2 is on the minus strand). VCF-style: chr13-103051363-C-A. GRCh37 (hg19) VCF-style: chr13-103703713-C-A.
Other names: short protein forms A219S.
Identifiers: ClinVar variation 4781452 (VCV004781452.1).
Genomic context (GRCh38, chr13:103,051,363, plus strand): 5'-AGTAACCCGCCACAGGAAATATTGTTCCTATAATCCACAGTTTGGGAGCAATGATCCAGG[C>A]GCTTTGGTACAATATTCCTCCAACCACAGCTATGAGCACAATGAGGATGGCGCCCGCGAT-3'
Protein context (NP_000443.2, residues 209-229): AVVGGILYQS[Ala219Ser]WIIAPKLWII

ClinVar aggregate classification (germline): Uncertain significance (1 of 4 stars; one submission).

gnomAD v4.1: 5 of 1,613,950 alleles (0.00031%); highest among the groups gnomAD compares: Admixed American, 0.005%; no homozygotes.

Submission:

Labcorp Genetics (formerly Invitae), Labcorp
Classification: Uncertain significance. Last evaluated: 2025-09-26. Review status: criteria provided, single submitter. Criteria: Invitae Variant Classification Sherloc (09022015). Collection method: clinical testing. Allele origin: germline.
Comment: This sequence change replaces alanine, which is neutral and non-polar, with serine, which is neutral and polar, at codon 219 of the SLC10A2 protein (p.Ala219Ser). This variant is present in population databases (no rsID available, gnomAD 0.009%). This variant has not been reported in the literature in individuals affected with SLC10A2-related conditions. Invitae Evidence Modeling of protein sequence and biophysical properties (such as structural, functional, and spatial information, amino acid conservation, physicochemical variation, residue mobility, and thermodynamic stability) indicates that this missense variant is not expected to disrupt SLC10A2 protein function with a negative predictive value of 80%. In summary, the available evidence is currently insufficient to determine the role of this variant in disease. Therefore, it has been classified as a Variant of Uncertain Significance.